The following is an entry in ClinVar:

NM_020843.4(SCAPER):c.802G>A (p.Val268Ile)

Gene: SCAPER (S-phase cyclin A associated protein in the ER; minus strand). Cytogenetic location: 15q24.3.
Variant type: single nucleotide variant.
Coding change: c.802G>A on transcript NM_020843.4 (MANE Select); coding-DNA position 802, G replaced by A.
Protein change: p.Val268Ile; replaces valine 268 with isoleucine.
Molecular consequence: missense variant. On other transcripts: non-coding transcript variant (1).
Genome position (GRCh38, 1-based): chr15:76,775,088, C>T on the plus strand (G>A on the coding strand, the complement: SCAPER is on the minus strand). VCF-style: chr15-76775088-C-T. GRCh37 (hg19) VCF-style: chr15-77067429-C-T.
Other names: c.64G>A, p.Val22Ile (NM_001145923.2); c.802G>A, p.Val268Ile (NM_001353009.2); c.400G>A, p.Val134Ile (NM_001353010.2, NM_001353011.2, NM_001353012.2); short protein forms V134I, V22I, V268I.
Identifiers: ClinVar variation 3353216 (VCV003353216.2).

ClinVar aggregate classification (germline): Uncertain significance. Review status: criteria provided, single submitter (1 of 4 stars). 2 submissions from 2 submitters: Uncertain significance (1). 1 of the submissions does not count toward it. Last evaluated 2024-08-28.

Conditions:
SCAPER-related disorder. Also called: SCAPER-related condition.

gnomAD v4.1: 67 of 1,613,362 alleles (0.0042%); highest among the groups gnomAD compares: African/African-American, 0.012%; no homozygotes.

Submissions (2):

Blueprint Genetics
Classification: Uncertain significance. Last evaluated: 2024-08-28. Review status: criteria provided, single submitter. Criteria: ACMG Guidelines, 2015. Collection method: clinical testing. Allele origin: germline.

PreventionGenetics, part of Exact Sciences
Classification: Uncertain significance for SCAPER-related condition. Last evaluated: 2024-09-07. Review status: no assertion criteria provided. Collection method: clinical testing. Allele origin: germline. Not counted in ClinVar's aggregate classification.
Comment: The SCAPER c.802G>A variant is predicted to result in the amino acid substitution p.Val268Ile. To our knowledge, this variant has not been reported in the literature. This variant is reported in 0.013% of alleles in individuals of African descent in gnomAD. At this time, the clinical significance of this variant is uncertain due to the absence of conclusive functional and genetic evidence.